The following is an entry in ClinVar:

ClinVar aggregate classification (germline): Uncertain significance. Review status: criteria provided, multiple submitters, no conflicts (2 of 4 stars). 4 submissions from 4 submitters: Uncertain significance (4). Last evaluated 2024-08-12.

Conditions:
Familial thoracic aortic aneurysm and aortic dissection (TAAD). Also called: Thoracic aortic aneurysms and dissections. Identifiers: Orphanet 91387, MedGen C4707243, MONDO:0019625.
Marfan syndrome (MFS). Also called: MARFAN SYNDROME, TYPE I; FBN1-Related Marfan Syndrome; Marfan syndrome type 1; Marfan's syndrome; Marfan syndrome, classic. Identifiers: Orphanet 284963, Orphanet 558, MedGen C0024796, MONDO:0007947, OMIM 154700.

Submissions (4):

Color Diagnostics, LLC DBA Color Health
Classification: Uncertain significance for Familial thoracic aortic aneurysm and aortic dissection. Last evaluated: 2024-08-12. Review status: criteria provided, single submitter. Criteria: ACMG Guidelines, 2015. Collection method: clinical testing. Allele origin: germline.
Comment: This missense variant replaces aspartic acid with asparagine at codon 288 of the FBN1 protein. Computational prediction suggests that this variant may have deleterious impact on protein structure and function (internally defined REVEL score threshold >= 0.7, PMID: 27666373). To our knowledge, functional studies have not been reported for this variant. This variant has not been reported in individuals affected with FBN1-related disorders in the literature. This variant has not been identified in the general population by the Genome Aggregation Database (gnomAD). The available evidence is insufficient to determine the role of this variant in disease conclusively. Therefore, this variant is classified as a Variant of Uncertain Significance.

Labcorp Genetics (formerly Invitae), Labcorp
Classification: Uncertain significance for Marfan syndrome; Familial thoracic aortic aneurysm and aortic dissection. Last evaluated: 2023-09-01. Review status: criteria provided, single submitter. Criteria: Invitae Variant Classification Sherloc (09022015). Collection method: clinical testing. Allele origin: germline.
Comment: Variants that disrupt the consensus splice site are a relatively common cause of aberrant splicing (PMID: 17576681, 9536098). In summary, the available evidence is currently insufficient to determine the role of this variant in disease. Therefore, it has been classified as a Variant of Uncertain Significance. This sequence change replaces aspartic acid, which is acidic and polar, with asparagine, which is neutral and polar, at codon 288 of the FBN1 protein (p.Asp288Asn). This variant also falls at the last nucleotide of exon 8, which is part of the consensus splice site for this exon. This variant is not present in population databases (gnomAD no frequency). This variant has not been reported in the literature in individuals affected with FBN1-related conditions. ClinVar contains an entry for this variant (Variation ID: 2441376). An algorithm developed to predict the effect of missense changes on protein structure and function (PolyPhen-2) suggests that this variant is likely to be disruptive.

GeneDx
Classification: Uncertain significance. Last evaluated: 2023-07-06. Review status: criteria provided, single submitter. Criteria: GeneDx Variant Classification Process June 2021. Collection method: clinical testing. Allele origin: germline. Affected: yes.
Comment: Has not been previously published as pathogenic or benign to our knowledge; Not observed at significant frequency in large population cohorts (gnomAD); Although located in a calcium-binding EGF-like domain of the FBN1 gene, it does not affect a cysteine residue within this domain; cysteine substitutions in the calcium-binding EGF-like domains represent the majority of pathogenic missense changes associated with FBN1-related disorders (Collod-Beroud et al., 2003); In silico analysis supports that this missense variant has a deleterious effect on protein structure/function

Revvity Omics, Revvity
Classification: Uncertain significance. Last evaluated: 2022-07-26. Review status: criteria provided, single submitter. Criteria: ACMG Guidelines, 2015. Collection method: clinical testing. Allele origin: germline.

Literature cited by the submitters: PubMed 17576681 (cited by Labcorp Genetics (formerly Invitae), Labcorp); PubMed 9536098 (cited by Labcorp Genetics (formerly Invitae), Labcorp).

NM_000138.5(FBN1):c.862G>A (p.Asp288Asn)

Gene: FBN1 (fibrillin 1; minus strand). Cytogenetic location: 15q21.1.
Variant type: single nucleotide variant.
Coding change: c.862G>A on transcript NM_000138.5 (MANE Select); coding-DNA position 862, G replaced by A.
Protein change: p.Asp288Asn; replaces aspartic acid 288 with asparagine.
Molecular consequence: missense variant.
Genome position (GRCh38, 1-based): chr15:48,534,080, C>T on the plus strand (G>A on the coding strand, the complement: FBN1 is on the minus strand). VCF-style: chr15-48534080-C-T. GRCh37 (hg19) VCF-style: chr15-48826277-C-T.
Other names: c.862G>A, p.Asp288Asn (NM_001406716.1); c.862G>A, p.Val288Ile (NM_001406717.1); short protein forms D288N, V288I.
Identifiers: ClinVar variation 2441376 (VCV002441376.9), dbSNP rs2505655210, ClinGen allele CA392352233.